The following is an entry in ClinVar:

NM_022168.4(IFIH1):c.986T>C (p.Leu329Pro)

Gene: IFIH1 (interferon induced with helicase C domain 1; minus strand). Cytogenetic location: 2q24.2.
Variant type: single nucleotide variant.
Coding change: c.986T>C on transcript NM_022168.4 (MANE Select); coding-DNA position 986, T replaced by C.
Protein change: p.Leu329Pro; replaces leucine 329 with proline.
Molecular consequence: missense variant.
Genome position (GRCh38, 1-based): chr2:162,288,244, A>G on the plus strand (T>C on the coding strand, the complement: IFIH1 is on the minus strand). VCF-style: chr2-162288244-A-G. GRCh37 (hg19) VCF-style: chr2-163144754-A-G.
Other names: c.986T>C, p.Leu329Pro (LRG_1235t1); short protein forms L329P.
Identifiers: ClinVar variation 577615 (VCV000577615.9), dbSNP rs923064561, ClinGen allele CA349004756.

ClinVar aggregate classification (germline): Likely pathogenic (1 of 4 stars; one submission).

Conditions:
Aicardi-Goutieres syndrome 7 (AGS7). Identifiers: Orphanet 51, MedGen C3888244, MONDO:0014367, OMIM 615846.
Singleton-Merten syndrome 1 (SGMRT1). Also called: Widened medullary cavities of bone, aortic calcification, abnormal dentition, and muscular weakness; Syndrome of widened medullary cavities of the metacarpals and phalanges, aortic calcification and abnormal dentition. Identifiers: Orphanet 85191, MedGen C4225427, MONDO:0024535, OMIM 182250.

Submission:

Labcorp Genetics (formerly Invitae), Labcorp
Classification: Likely pathogenic for Aicardi-Goutieres syndrome 7; Singleton-Merten syndrome 1. Last evaluated: 2018-07-26. Review status: criteria provided, single submitter. Criteria: Invitae Variant Classification Sherloc (09022015). Collection method: clinical testing. Allele origin: germline.
Comment: This sequence change replaces leucine with proline at codon 329 of the IFIH1 protein (p.Leu329Pro). The leucine residue is highly conserved and there is a moderate physicochemical difference between leucine and proline. This variant is not present in population databases (ExAC no frequency). Algorithms developed to predict the effect of missense changes on protein structure and function are either unavailable or do not agree on the potential impact of this missense change (SIFT: "Deleterious"; PolyPhen-2: "Probably Damaging"; Align-GVGD: "Class C0"). In summary, the currently available evidence indicates that the variant is pathogenic, but additional data are needed to prove that conclusively. Therefore, this variant has been classified as Likely Pathogenic.